The following is an entry in ClinVar:

NM_000256.3(MYBPC3):c.2717T>A (p.Val906Glu)

Gene: MYBPC3 (myosin binding protein C3; minus strand). Cytogenetic location: 11p11.2.
Variant type: single nucleotide variant.
Coding change: c.2717T>A on transcript NM_000256.3 (MANE Select); coding-DNA position 2717, T replaced by A.
Protein change: p.Val906Glu; replaces valine 906 with glutamic acid.
Molecular consequence: missense variant.
Genome position (GRCh38, 1-based): chr11:47,335,897, A>T on the plus strand (T>A on the coding strand, the complement: MYBPC3 is on the minus strand). VCF-style: chr11-47335897-A-T. GRCh37 (hg19) VCF-style: chr11-47357448-A-T.
Other names: short protein forms V906E.
Identifiers: ClinVar variation 4279524 (VCV004279524.2).
Genomic context (GRCh38, chr11:47,335,897, plus strand): 5'-TCTTCCTTTGGGGAGGGGGGTTGGGGGCGGGGACACTCACAGCCCTCTGGGCAGTACTCC[A>T]CGCTGTAGCCATCCAGGCCTCCTGCTCCCACGCGCTCTGGGGGCCGCCACTTGAGGGAGA-3'
Protein context (NP_000247.2, residues 896-916): VGAGGLDGYS[Val906Glu]EYCPEGCSEW

ClinVar aggregate classification (germline): Uncertain significance. Review status: criteria provided, multiple submitters, no conflicts (2 of 4 stars). 2 submissions from 2 submitters: Uncertain significance (2). Last evaluated 2026-02-17.

Conditions:
Hypertrophic cardiomyopathy 4. Also called: Familial hypertrophic cardiomyopathy 4. Identifiers: MedGen C1861862, MONDO:0007268, OMIM 115197.

Submissions (2):

KardioGenetik, Herz- und Diabeteszentrum NRW
Classification: Uncertain significance for Hypertrophic cardiomyopathy 4. Last evaluated: 2026-02-17. Review status: criteria provided, single submitter. Criteria: ACMG Guidelines, 2015. Collection method: clinical testing. Allele origin: unknown. Affected: yes. Observed: 2 variant alleles.
Comment: No data on the allele frequency of the detected MYBPC3 variant c.2717T>A p.(Val906Glu) are available in population cohorts according to the Genome Aggregation Database (gnomAD). The amino acid substitution Val906Glu is clearly predicted to be “deleterious” by the bioinformatic meta-prediction tool REVEL. To date, the variant has not been reported in the literature. In the ClinVar database, there is a single entry in which the variant is classified as being of uncertain clinical significance with respect to hypertrophic cardiomyopathy (HCM). The submitters of that entry identified the variant in the homozygous state in three HCM patients with unclear familial relationships to one another, some of whom had early disease onset. The heterozygous parents of one of these HCM patients are described as clinically unaffected. The submitters suggest that the variant may be pathogenic, albeit in a milder form and with reduced penetrance in heterozygous carriers, whereas homozygous carriers present with an HCM phenotype. In addition, our laboratory is aware of two further homozygous carriers of the c.2717T>A p.(Val906Glu) variant who are affected by HCM. All heterozygous carriers within the respective families are clinically unaffected. Overall, the pathogenicity of this variant cannot currently be determined with certainty.

MVZ Martinsried, Medicover Genetics
Classification: Uncertain significance for Hypertrophic cardiomyopathy 4. Last evaluated: 2025-09-22. Review status: criteria provided, single submitter. Criteria: ClinGen CMP ACMG Specifications MYBPC3 V1.0.0. Collection method: clinical testing. Allele origin: unknown. Affected: yes. Observed: 3 homozygotes.
Comment: Variant detected in three individuals in homozygous state. All diagnosed with hypertrophic cardiomyopathy (HCM), partially with early onset. Familial relationship between individuals unclear. Evidence suggestive of pathogenicity; current classification: variant of uncertain significance (VUS). Possible mild variant with incomplete penetrance in heterozygous state and HCM phenotype in homozygous state.